The following is an entry in ClinVar:

NM_001130987.2(DYSF):c.3898-5T>G

Gene: DYSF (dysferlin; plus strand). Cytogenetic location: 2p13.2.
Variant type: single nucleotide variant.
Coding change: c.3898-5T>G on transcript NM_001130987.2 (MANE Select); 5 bases into the intron before coding-DNA position 3898, T replaced by G.
Molecular consequence: intron variant.
Genome position (GRCh38, 1-based): chr2:71,601,494, T>G. VCF-style: chr2-71601494-T-G. GRCh37 (hg19) VCF-style: chr2-71828624-T-G.
Other names: c.3937-5T>G (NM_001130979.2); c.3895-5T>G (NM_001130981.2, NM_001130980.2); c.3844-5T>G (NM_001130978.2, NM_003494.4); c.3802-5T>G (NM_001130977.2, NM_001130976.2); c.3940-5T>G (NM_001130982.2); c.3898-5T>G (NM_001130985.2); c.3847-5T>G (NM_001130983.2, NM_001130455.2); c.3805-5T>G (NM_001130984.2, NM_001130986.2).
Identifiers: ClinVar variation 1397956 (VCV001397956.6), dbSNP rs2152859964, ClinGen allele CA2573135728.
Genomic context (GRCh38, chr2:71,601,494, plus strand): 5'-TCATGAGGGTGATGGGGGCCTTAGGTGACAAGCACATGACCAGAGCTCTCTTTTCTTCAC[T>G]CCAGCCGGCCATCCACCATATTCCTGGTTTTGAGGTAAGTCTTGCTCTGACCTTTCCTTC-3'

ClinVar aggregate classification (germline): Uncertain significance (1 of 4 stars; one submission).

Conditions:
Neuromuscular disease caused by qualitative or quantitative defects of dysferlin. Also called: Qualitative or quantitative defects of dysferlin; Dysferlinopathy. Identifiers: Orphanet 207073, MedGen C2931687, MONDO:0016145.

Submission:

Labcorp Genetics (formerly Invitae), Labcorp
Classification: Uncertain significance for Neuromuscular disease caused by qualitative or quantitative defects of dysferlin. Last evaluated: 2021-08-01. Review status: criteria provided, single submitter. Criteria: Invitae Variant Classification Sherloc (09022015). Collection method: clinical testing. Allele origin: germline.
Comment: This sequence change falls in intron 34 of the DYSF gene. It does not directly change the encoded amino acid sequence of the DYSF protein. This variant is not present in population databases (ExAC no frequency). This variant has not been reported in the literature in individuals affected with DYSF-related conditions. Algorithms developed to predict the effect of sequence changes on RNA splicing suggest that this variant may disrupt the consensus splice site. In summary, the available evidence is currently insufficient to determine the role of this variant in disease. Therefore, it has been classified as a Variant of Uncertain Significance.